The following is an entry in ClinVar:

ClinVar aggregate classification (germline): Conflicting classifications of pathogenicity. Review status: criteria provided, conflicting classifications (1 of 4 stars). 4 submissions from 4 submitters: Uncertain significance (1); Likely benign (2). 1 of the submissions does not count toward it. Last evaluated 2025-05-01.

Conditions:
SETD1B-related disorder. Also called: SETD1B-related condition.

Allele frequency attached by ClinVar (database versions not stated): ExAC 0.00096; 1000 Genomes Project 30x 0.00109; 1000 Genomes Project 0.00120; gnomAD exomes 0.00120; TOPMed 0.00121; ESP Exome Variant Server 0.00131; gnomAD 0.00132 and 0.00139.
gnomAD v4.1: 2,423 of 1,552,484 alleles (0.16%); highest among the groups gnomAD compares: Admixed American, 0.27%; 7 homozygotes.

Submissions (4):

CeGaT Center for Human Genetics Tuebingen
Classification: Likely benign. Last evaluated: 2025-05-01. Review status: criteria provided, single submitter. Criteria: CeGaT Center For Human Genetics Tuebingen Variant Classification Criteria Version 2. Collection method: clinical testing. Allele origin: germline. Affected: yes. Observed: 3 variant alleles.
Comment: SETD1B: PP2, BP4, BS1

Blueprint Genetics
Classification: Likely benign. Last evaluated: 2024-11-18. Review status: criteria provided, single submitter. Criteria: ACMG Guidelines, 2015. Collection method: clinical testing. Allele origin: germline.

Institute for Clinical Genetics, University Hospital TU Dresden, University Hospital TU Dresden
Classification: Uncertain significance. Last evaluated: 2021-11-03. Review status: criteria provided, single submitter. Criteria: ACMG Guidelines, 2015. Collection method: clinical testing. Allele origin: germline.

PreventionGenetics, part of Exact Sciences
Classification: Likely benign for SETD1B-related condition. Last evaluated: 2022-09-06. Review status: no assertion criteria provided. Collection method: clinical testing. Allele origin: germline. Not counted in ClinVar's aggregate classification.
Comment: This variant is classified as likely benign based on ACMG/AMP sequence variant interpretation guidelines (Richards et al. 2015 PMID: 25741868, with internal and published modifications).

NM_001353345.2(SETD1B):c.3587T>A (p.Val1196Glu)

Gene: SETD1B (SET domain containing 1B, histone lysine methyltransferase; plus strand). Cytogenetic location: 12q24.31.
Variant type: single nucleotide variant.
Coding change: c.3587T>A on transcript NM_001353345.2 (MANE Select); coding-DNA position 3587, T replaced by A.
Protein change: p.Val1196Glu; replaces valine 1196 with glutamic acid.
Molecular consequence: missense variant.
Genome position (GRCh38, 1-based): chr12:121,819,572, T>A. VCF-style: chr12-121819572-T-A. GRCh37 (hg19) VCF-style: chr12-122257478-T-A.
Other names: NM_015048.1:c.3458T>A; short protein forms V1196E.
Identifiers: ClinVar variation 1319772 (VCV001319772.28), dbSNP rs188280904, ClinGen allele CA6839091.
Genomic context (GRCh38, chr12:121,819,572, plus strand): 5'-AGGATGAGGAGGAGGTAGTGGCCAGGGAAGAGGAGGAAGAAGAGGAGGAGGAGGAGATGG[T>A]GGCCGAGGAAAGCATGGCTTCTGCAGGCCCTGAGGACTTTGAGCAGGACGGGGAGGAAGC-3'
Protein context (NP_001340274.1, residues 1186-1206): EEEEEEEEEM[Val1196Glu]AEESMASAGP